The following is an entry in ClinVar:

NM_000274.4(OAT):c.627T>A (p.Tyr209Ter)

Gene: OAT (ornithine aminotransferase; minus strand). Cytogenetic location: 10q26.13.
Variant type: single nucleotide variant.
Coding change: c.627T>A on transcript NM_000274.4 (MANE Select); coding-DNA position 627, T replaced by A.
Protein change: p.Tyr209Ter; replaces tyrosine 209 with a stop codon.
Molecular consequence: nonsense.
Genome position (GRCh38, 1-based): chr10:124,405,457, A>T on the plus strand (T>A on the coding strand, the complement: OAT is on the minus strand). VCF-style: chr10-124405457-A-T. GRCh37 (hg19) VCF-style: chr10-126094026-A-T.
Other names: c.213T>A, p.Tyr71Ter (NM_001171814.2); c.627T>A, p.Tyr209Ter (NM_001322965.2, NM_001322966.2, NM_001322967.2 and 3 more transcripts); c.306T>A, p.Tyr102Ter (NM_001322971.2); c.27T>A, p.Tyr9Ter (NM_001322974.2); short protein forms Y209*, Y71*, Y9*, Y102*.
Identifiers: ClinVar variation 175 (VCV000000175.18), dbSNP rs121965056, ClinGen allele CA113994.

ClinVar aggregate classification (germline): Pathogenic. Review status: criteria provided, multiple submitters, no conflicts (2 of 4 stars). 9 submissions from 9 submitters: Pathogenic (7). 2 of the submissions do not count toward it. Last evaluated 2026-07-14.

Conditions:
OAT-related disorder. Also called: OAT-related condition.
Ornithine aminotransferase deficiency (GACR). Also called: OKT DEFICIENCY; Ornithine ketoacid aminotransferase deficiency; Gyrate atrophy; Gyrate atrophy of choroid and retina; Girate atrophy of the retina; HYPERORNITHINEMIA WITH GYRATE ATROPHY OF CHOROID AND RETINA. Identifiers: Orphanet 414, MedGen C0018425, MONDO:0009796, OMIM 258870.

Allele frequency attached by ClinVar (database versions not stated): ExAC 0.00002; TOPMed 0.00002.
gnomAD v4.1: 193 of 1,613,834 alleles (0.012%); highest among the groups gnomAD compares: Non-Finnish European, 0.016%; no homozygotes.

Submissions (9):

PreventionGenetics, part of Exact Sciences
Classification: Pathogenic for OAT-related condition. Last evaluated: 2026-07-14. Review status: criteria provided, single submitter. Criteria: ACMG Guidelines, 2015. Collection method: clinical testing. Allele origin: germline.
Comment: The OAT c.627T>A variant is predicted to result in premature protein termination (p.Tyr209*). This variant has been reported in individuals with gyrate atrophy (Mashima et al. 1992. PubMed ID: 1609808; Riera et al. 2017. PubMed ID: 28181551). This variant is present in 0.0046% of alleles in individuals of European (Non-Finnish) descent in gnomAD. Nonsense variants in OAT are an established mechanism of disease. Given the evidence, we interpret this variant as pathogenic.

Labcorp Genetics (formerly Invitae), Labcorp
Classification: Pathogenic for Ornithine aminotransferase deficiency. Last evaluated: 2025-12-10. Review status: criteria provided, single submitter. Criteria: Invitae Variant Classification Sherloc (09022015). Collection method: clinical testing. Allele origin: germline.
Comment: This sequence change creates a premature translational stop signal (p.Tyr209*) in the OAT gene. It is expected to result in an absent or disrupted protein product. Loss-of-function variants in OAT are known to be pathogenic (PMID: 1737786, 23076989). This variant is present in population databases (rs121965056, gnomAD 0.005%). This premature translational stop signal has been observed in individuals with gyrate atrophy (PMID: 1609808, 28181551). ClinVar contains an entry for this variant (Variation ID: 175). For these reasons, this variant has been classified as Pathogenic.

Natera, Inc.
Classification: Pathogenic for Gyrate atrophy. Last evaluated: 2025-10-09. Review status: criteria provided, single submitter. Criteria: Natera Variant Classification Schema (03/2026). Collection method: clinical testing. Allele origin: germline.
Comment: The c.627T>A variant in OAT is a nonsense variant predicted to introduce a stop codon at amino acid 209. This variant is expected to result in nonsense mediated decay, truncation, or a dysfunctional protein product. This variant is rare in the general population with a frequency below the threshold expected for the associated phenotype(s). This variant has been observed in one or more individuals affected with the associated recessive disease, as either homozygous or compound heterozygous with a second variant (PMID: 28181551). Given the available evidence, this variant is classified as Pathogenic.

Baylor Genetics
Classification: Pathogenic for Ornithine aminotransferase deficiency. Last evaluated: 2024-02-21. Review status: criteria provided, single submitter. Criteria: ACMG Guidelines, 2015. Collection method: clinical testing. Allele origin: unknown.

Fulgent Genetics
Classification: Pathogenic for Ornithine aminotransferase deficiency. Last evaluated: 2024-01-25. Review status: criteria provided, single submitter. Criteria: ACMG Guidelines, 2015. Collection method: clinical testing. Allele origin: germline.

Department of Pathology and Laboratory Medicine, Sinai Health System
Classification: Pathogenic for Ornithine aminotransferase deficiency. Last evaluated: 2022-08-15. Review status: criteria provided, single submitter. Criteria: ACMG Guidelines, 2015. Collection method: research. Allele origin: germline.

Blueprint Genetics
Classification: Pathogenic for OAT-related disorders. Last evaluated: 2019-12-16. Review status: criteria provided, single submitter. Criteria: ACMG Guidelines, 2015. Collection method: clinical testing. Allele origin: germline. Affected: yes. Observed: 1 variant allele.

Counsyl
Classification: Pathogenic for Ornithine aminotransferase deficiency. Last evaluated: 2018-01-30. Review status: no assertion criteria provided. Collection method: clinical testing. Allele origin: unknown. Not counted in ClinVar's aggregate classification.

OMIM
Classification: Pathogenic for GYRATE ATROPHY OF CHOROID AND RETINA. Last evaluated: 1992-07-01. Review status: no assertion criteria provided. Collection method: literature only. Allele origin: germline. Not counted in ClinVar's aggregate classification.

Literature cited by the submitters: PubMed 1737786 (cited by Labcorp Genetics (formerly Invitae), Labcorp); PubMed 23076989 (cited by Labcorp Genetics (formerly Invitae), Labcorp); PubMed 1609808 (cited by 3 submitters); PubMed 28181551 (cited by 3 submitters).